The following is an entry in ClinVar:

ClinVar aggregate classification (germline): Uncertain significance (1 of 4 stars; one submission).

Conditions:
VPS13B-related disorder. Also called: VPS13B-related condition.

gnomAD v4.1: 1 of 1,614,070 alleles (0.000062%); no homozygotes.

Submission:

PreventionGenetics, part of Exact Sciences
Classification: Uncertain significance for VPS13B-related condition. Last evaluated: 2026-08-11. Review status: criteria provided, single submitter. Criteria: ACMG Guidelines, 2015. Collection method: clinical testing. Allele origin: germline.
Comment: The VPS13B c.9914C>A variant is predicted to result in the amino acid substitution p.Ala3305Asp. To our knowledge, this variant has not been reported in the literature. This variant is reported in 0.00088% of alleles in individuals of European (Non-Finnish) descent in gnomAD. At this time, the clinical significance of this variant is uncertain due to the absence of conclusive functional and genetic evidence.

NM_152564.5(VPS13B):c.9914C>A (p.Ala3305Asp)

Gene: VPS13B (vacuolar protein sorting 13 homolog B; plus strand). Cytogenetic location: 8q22.2.
Variant type: single nucleotide variant.
Coding change: c.9914C>A on transcript NM_152564.5 (MANE Select); coding-DNA position 9914, C replaced by A.
Protein change: p.Ala3305Asp; replaces alanine 3305 with aspartic acid.
Molecular consequence: missense variant.
Genome position (GRCh38, 1-based): chr8:99,835,710, C>A. VCF-style: chr8-99835710-C-A. GRCh37 (hg19) VCF-style: chr8-100847938-C-A.
Other names: c.9989C>A, p.Ala3330Asp (NM_017890.5); short protein forms A3305D, A3330D.
Identifiers: ClinVar variation 4994900 (VCV004994900.1).
Genomic context (GRCh38, chr8:99,835,710, plus strand): 5'-TTCCAAGCCTACTTTTGAGAGTTGAACCTCTAGATGAAGTAACAACTGAGTGGAGTGATG[C>A]CATTGACATCAACAGTCAGGGAACACAGGTCAGTGAGCCATGTGTTCCTGCCAAGACCCA-3'
Protein context (NP_689777.3, residues 3295-3315): LDEVTTEWSD[Ala3305Asp]IDINSQGTQV